The following is an entry in ClinVar:

NM_006295.3(VARS1):c.1263G>A (p.Glu421=)

Gene: VARS1 (valyl-tRNA synthetase 1; minus strand). Cytogenetic location: 6p21.33.
Variant type: single nucleotide variant.
Coding change: c.1263G>A on transcript NM_006295.3 (MANE Select); coding-DNA position 1263, G replaced by A.
Protein change: p.Glu421=; no amino-acid change (glutamic acid 421 retained).
Molecular consequence: synonymous variant.
Genome position (GRCh38, 1-based): chr6:31,785,571, C>T on the plus strand (G>A on the coding strand, the complement: VARS1 is on the minus strand). VCF-style: chr6-31785571-C-T. GRCh37 (hg19) VCF-style: chr6-31753348-C-T.
Identifiers: ClinVar variation 3051075 (VCV003051075.4), dbSNP rs150822918, ClinGen allele CA3723367.
Genomic context (GRCh38, chr6:31,785,571, plus strand): 5'-TCTGGATAGGGGACAGGGAGGCAGGGCTGCGATGCCCACAGGGATGCTGCATACTCACTC[C>T]TCCTTCCACTTCCAGACTTCCTGTAGAAAGGCCTCGCGGCCCAGCTGGTGCCGGCTCAGT-3'
Protein context (NP_006286.1, residues 411-431): AFLQEVWKWK[Glu421=]EKGDRIYHQL

ClinVar aggregate classification (germline): Likely benign. Review status: criteria provided, multiple submitters, no conflicts (2 of 4 stars). 3 submissions from 3 submitters: Likely benign (2). 1 of the submissions does not count toward it. Last evaluated 2026-03-16.

Conditions:
VARS1-related disorder. Also called: VARS1-related condition.

Allele frequency attached by ClinVar (database versions not stated): 1000 Genomes Project 30x 0.00031; gnomAD 0.00036; 1000 Genomes Project 0.00040; ExAC 0.00042; ESP Exome Variant Server 0.00047; TOPMed 0.00059.
gnomAD v4.1: 318 of 1,605,842 alleles (0.02%); highest among the groups gnomAD compares: Middle Eastern, 0.12%; 3 homozygotes.

Submissions (3):

Women's Health and Genetics/Laboratory Corporation of America, LabCorp
Classification: Likely benign. Last evaluated: 2026-03-16. Review status: criteria provided, single submitter. Criteria: LabCorp Variant Classification Summary - May 2015. Collection method: clinical testing. Allele origin: germline.
Comment: Variant summary: VARS1 c.1263G>A (p.Glu421Glu) alters a non-conserved nucleotide located close to a canonical splice site and therefore could affect mRNA splicing, leading to a significantly altered protein sequence. Consensus agreement among computation tools predict no significant impact on normal splicing. However, these predictions have yet to be confirmed by functional studies. The variant allele was found at a frequency of 0.00019 in 1598878 control chromosomes in the gnomAD database, including 3 homozygotes. To our knowledge, no occurrence of c.1263G>A in individuals affected with VARS1-related conditions and no experimental evidence demonstrating its impact on protein function have been reported. ClinVar contains an entry for this variant (Variation ID: 3051075). Based on the evidence outlined above, the variant was classified as likely benign.

Blueprint Genetics
Classification: Likely benign. Last evaluated: 2024-11-01. Review status: criteria provided, single submitter. Criteria: ACMG Guidelines, 2015. Collection method: clinical testing. Allele origin: germline.

PreventionGenetics, part of Exact Sciences
Classification: Likely benign for VARS1-related condition. Last evaluated: 2019-02-21. Review status: no assertion criteria provided. Collection method: clinical testing. Allele origin: germline. Not counted in ClinVar's aggregate classification.
Comment: This variant is classified as likely benign based on ACMG/AMP sequence variant interpretation guidelines (Richards et al. 2015 PMID: 25741868, with internal and published modifications).